The following is an entry in ClinVar:

ClinVar aggregate classification (germline): Uncertain significance (1 of 4 stars; one submission).

Conditions:
ALG1-congenital disorder of glycosylation. Also called: ALG1-CDG; CDG Ik; CONGENITAL DISORDER OF GLYCOSYLATION, TYPE Ik. Identifiers: Orphanet 79327, MedGen C2931005, MONDO:0012052, OMIM 608540.

Submission:

Labcorp Genetics (formerly Invitae), Labcorp
Classification: Uncertain significance for ALG1-congenital disorder of glycosylation. Last evaluated: 2025-07-14. Review status: criteria provided, single submitter. Criteria: Invitae Variant Classification Sherloc (09022015). Collection method: clinical testing. Allele origin: germline.
Comment: This sequence change replaces cysteine, which is neutral and slightly polar, with arginine, which is basic and polar, at codon 194 of the ALG1 protein (p.Cys194Arg). This variant is not present in population databases (gnomAD no frequency). This variant has not been reported in the literature in individuals affected with ALG1-related conditions. ClinVar contains an entry for this variant (Variation ID: 2129329). Invitae Evidence Modeling of protein sequence and biophysical properties (such as structural, functional, and spatial information, amino acid conservation, physicochemical variation, residue mobility, and thermodynamic stability) indicates that this missense variant is expected to disrupt ALG1 protein function with a positive predictive value of 80%. In summary, the available evidence is currently insufficient to determine the role of this variant in disease. Therefore, it has been classified as a Variant of Uncertain Significance.

NM_019109.5(ALG1):c.580T>C (p.Cys194Arg)

Gene: ALG1 (ALG1 chitobiosyldiphosphodolichol beta-mannosyltransferase; plus strand). Cytogenetic location: 16p13.3.
Variant type: single nucleotide variant.
Coding change: c.580T>C on transcript NM_019109.5 (MANE Select); coding-DNA position 580, T replaced by C.
Protein change: p.Cys194Arg; replaces cysteine 194 with arginine.
Molecular consequence: missense variant.
Genome position (GRCh38, 1-based): chr16:5,077,485, T>C. VCF-style: chr16-5077485-T-C. GRCh37 (hg19) VCF-style: chr16-5127486-T-C.
Other names: c.247T>C, p.Cys83Arg (NM_001330504.2); short protein forms C194R, C83R.
Identifiers: ClinVar variation 2129329 (VCV002129329.4), dbSNP rs2505858626, ClinGen allele CA394681304.